The following is an entry in ClinVar:

NM_000540.3(RYR1):c.11336T>A (p.Leu3779Gln)

Gene: RYR1 (ryanodine receptor 1; plus strand). Cytogenetic location: 19q13.2.
Variant type: single nucleotide variant.
Coding change: c.11336T>A on transcript NM_000540.3 (MANE Select); coding-DNA position 11336, T replaced by A.
Protein change: p.Leu3779Gln; replaces leucine 3779 with glutamine.
Molecular consequence: missense variant.
Genome position (GRCh38, 1-based): chr19:38,534,796, T>A. VCF-style: chr19-38534796-T-A. GRCh37 (hg19) VCF-style: chr19-39025436-T-A.
Other names: c.11321T>A, p.Leu3774Gln (NM_001042723.2); short protein forms L3774Q, L3779Q.
Identifiers: ClinVar variation 4874513 (VCV004874513.2).
Genomic context (GRCh38, chr19:38,534,796, plus strand): 5'-AGCAGAGGCTCTTGTACCAGCAAGCACGGCTGCACACCCGGGGGGCGGCCGAGATGGTGC[T>A]GCAGATGATCAGTGCCTGCAAAGGTGCCCCTCACATGTGCACTGGACTCTTCCGAGTGCA-3'
Protein context (NP_000531.2, residues 3769-3789): LHTRGAAEMV[Leu3779Gln]QMISACKGET

ClinVar aggregate classification (germline): Uncertain significance (1 of 4 stars; one submission).

gnomAD v4.1: 1 of 1,613,378 alleles (0.000062%); highest among the groups gnomAD compares: Non-Finnish European, 0.000085%; no homozygotes.

Submission:

CeGaT Center for Human Genetics Tuebingen
Classification: Uncertain significance. Last evaluated: 2026-04-01. Review status: criteria provided, single submitter. Criteria: CeGaT Center For Human Genetics Tuebingen Variant Classification Criteria Version 2. Collection method: clinical testing. Allele origin: germline. Affected: yes. Observed: 1 variant allele.
Comment: RYR1: PM2, PP3